The following is an entry in ClinVar:

ClinVar aggregate classification (germline): Uncertain significance (1 of 4 stars; one submission).

Allele frequency attached by ClinVar (database versions not stated): gnomAD exomes below 0.00001; TOPMed below 0.00001; gnomAD 0.00001.
gnomAD v4.1: 4 of 1,613,768 alleles (0.00025%); highest among the groups gnomAD compares: African/African-American, 0.0013%; no homozygotes.

Submission:

GeneDx
Classification: Uncertain significance. Last evaluated: 2018-12-24. Review status: criteria provided, single submitter. Criteria: GeneDx Variant Classification (06012015). Collection method: clinical testing. Allele origin: germline. Affected: yes.
Comment: The I507T variant in the ZFPM2 gene has not been reported previously as a pathogenic variant, nor as a benign variant, to our knowledge. The I507T variant is not observed in large population cohorts (Lek et al., 2016; 1000 Genomes Consortium et al., 2015; Exome Variant Server). The I507T variant is a non-conservative amino acid substitution, which is likely to impact secondary protein structure as these residues differ in polarity, charge, size and/or other properties. This substitution occurs at a position that is conserved across species. In silico analysis is inconsistent in its predictions as to whether or not the variant is damaging to the protein structure/function. We interpret I507T as a variant of uncertain significance.

NM_012082.4(ZFPM2):c.1520T>C (p.Ile507Thr)

Genes: ZFPM2 (zinc finger protein, FOG family member 2; plus strand), ZFPM2-AS1 (ZFPM2 antisense RNA 1; minus strand). Cytogenetic location: 8q23.1.
Variant type: single nucleotide variant.
Coding change: c.1520T>C on transcript NM_012082.4 (MANE Select); coding-DNA position 1520, T replaced by C.
Protein change: p.Ile507Thr; replaces isoleucine 507 with threonine.
Molecular consequence: missense variant.
Genome position (GRCh38, 1-based): chr8:105,801,602, T>C. VCF-style: chr8-105801602-T-C. GRCh37 (hg19) VCF-style: chr8-106813830-T-C.
Other names: c.1361T>C, p.Ile454Thr (NM_001362836.2); c.1124T>C, p.Ile375Thr (NM_001362837.2); short protein forms I507T, I375T, I454T.
Identifiers: ClinVar variation 450054 (VCV000450054.2), dbSNP rs1194484043, ClinGen allele CA371950947.